The following is an entry in ClinVar:

NM_139343.3(BIN1):c.965C>T (p.Ala322Val)

Gene: BIN1 (bridging integrator 1; minus strand). Cytogenetic location: 2q14.3.
Variant type: single nucleotide variant.
Coding change: c.965C>T on transcript NM_139343.3 (MANE Select); coding-DNA position 965, C replaced by T.
Protein change: p.Ala322Val; replaces alanine 322 with valine.
Molecular consequence: missense variant.
Genome position (GRCh38, 1-based): chr2:127,059,048, G>A on the plus strand (C>T on the coding strand, the complement: BIN1 is on the minus strand). VCF-style: chr2-127059048-G-A. GRCh37 (hg19) VCF-style: chr2-127816624-G-A.
Other names: c.917C>T, p.Ala306Val (NM_001320632.2, NM_004305.4, NM_139346.3); c.965C>T, p.Ala322Val (NM_001320633.2, NM_001320640.2, NM_139344.3 and 1 more transcripts); c.800C>T, p.Ala267Val (NM_001320634.1); c.872C>T, p.Ala291Val (NM_001320641.2, NM_139347.3, NM_139348.3 and 3 more transcripts); c.884C>T, p.Ala295Val (NM_001320642.1); short protein forms A291V, A306V, A322V, A267V, A295V.
Identifiers: ClinVar variation 894723 (VCV000894723.6), dbSNP rs1684085224, ClinGen allele CA348379324.

ClinVar aggregate classification (germline): Uncertain significance. Review status: criteria provided, multiple submitters, no conflicts (2 of 4 stars). 2 submissions from 2 submitters: Uncertain significance (2). Last evaluated 2025-01-27.

Conditions:
Myopathy, centronuclear, 2 (CNM2). Also called: MYOTUBULAR MYOPATHY, AUTOSOMAL RECESSIVE. Identifiers: Orphanet 169186, MedGen CN031787, MONDO:0009709, OMIM 255200.

Allele frequency attached by ClinVar (database versions not stated): gnomAD exomes below 0.00001; TOPMed below 0.00001.
gnomAD v4.1: 2 of 1,569,936 alleles (0.00013%); highest among the groups gnomAD compares: East Asian, 0.0047%; no homozygotes.

Submissions (2):

Labcorp Genetics (formerly Invitae), Labcorp
Classification: Uncertain significance for Myopathy, centronuclear, 2. Last evaluated: 2025-01-27. Review status: criteria provided, single submitter. Criteria: Invitae Variant Classification Sherloc (09022015). Collection method: clinical testing. Allele origin: germline.
Comment: This sequence change replaces alanine, which is neutral and non-polar, with valine, which is neutral and non-polar, at codon 322 of the BIN1 protein (p.Ala322Val). This variant is not present in population databases (gnomAD no frequency). This variant has not been reported in the literature in individuals affected with BIN1-related conditions. ClinVar contains an entry for this variant (Variation ID: 894723). An algorithm developed to predict the effect of missense changes on protein structure and function (PolyPhen-2) suggests that this variant is likely to be tolerated. In summary, the available evidence is currently insufficient to determine the role of this variant in disease. Therefore, it has been classified as a Variant of Uncertain Significance.

Illumina Laboratory Services, Illumina
Classification: Uncertain significance for Myopathy, centronuclear, 2. Last evaluated: 2018-01-12. Review status: criteria provided, single submitter. Criteria: ICSL Variant Classification Criteria 13 December 2019. Collection method: clinical testing. Allele origin: germline.